The following is an entry in ClinVar:

ClinVar aggregate classification (germline): Uncertain significance. Review status: criteria provided, multiple submitters, no conflicts (2 of 4 stars). 2 submissions from 2 submitters: Uncertain significance (2). Last evaluated 2026-04-21.

Conditions:
Ataxia-telangiectasia syndrome (AT). Also called: LOUIS-BAR SYNDROME; Ataxia-telangiectasia, complementation group E; Cerebello-oculocutaneous telangiectasia; Immunodeficiency with ataxia telangiectasia; Ataxia-telangiectasia, complementation group D; AT, COMPLEMENTATION GROUP C. Identifiers: Orphanet 100, MedGen C0004135, MONDO:0008840, OMIM 208900.
Hereditary cancer-predisposing syndrome. Also called: Tumor predisposition; Hereditary Cancer Syndrome; Neoplastic Syndromes, Hereditary; Hereditary neoplastic syndrome. Identifiers: Orphanet 140162, MedGen C0027672, MeSH D009386, MONDO:0015356.

Submissions (2):

Ambry Genetics
Classification: Uncertain significance for Hereditary cancer-predisposing syndrome. Last evaluated: 2026-04-21. Review status: criteria provided, single submitter. Criteria: Ambry Variant Classification Scheme 2023. Collection method: clinical testing. Allele origin: germline.
Comment: The p.G327E variant (also known as c.980G>A), located in coding exon 7 of the ATM gene, results from a G to A substitution at nucleotide position 980. The glycine at codon 327 is replaced by glutamic acid, an amino acid with similar properties. In an assay testing ATM function, this variant showed a functionally abnormal result (Lee KS et al. Cell, 2025 Sep;188:5081-5099.e27). This amino acid position is highly conserved in available vertebrate species. In addition, this alteration is predicted to be deleterious by in silico analysis. Based on the available evidence, the clinical significance of this variant remains unclear.

Labcorp Genetics (formerly Invitae), Labcorp
Classification: Uncertain significance for Ataxia-telangiectasia syndrome. Last evaluated: 2025-03-16. Review status: criteria provided, single submitter. Criteria: Invitae Variant Classification Sherloc (09022015). Collection method: clinical testing. Allele origin: germline.
Comment: This sequence change replaces glycine, which is neutral and non-polar, with glutamic acid, which is acidic and polar, at codon 327 of the ATM protein (p.Gly327Glu). This variant is not present in population databases (gnomAD no frequency). This variant has not been reported in the literature in individuals affected with ATM-related conditions. ClinVar contains an entry for this variant (Variation ID: 644776). Invitae Evidence Modeling of protein sequence and biophysical properties (such as structural, functional, and spatial information, amino acid conservation, physicochemical variation, residue mobility, and thermodynamic stability) has been performed for this missense variant. However, the output from this modeling did not meet the statistical confidence thresholds required to predict the impact of this variant on ATM protein function. In summary, the available evidence is currently insufficient to determine the role of this variant in disease. Therefore, it has been classified as a Variant of Uncertain Significance.

Literature cited by the submitters: PubMed 40580951 (cited by Ambry Genetics).

NM_000051.4(ATM):c.980G>A (p.Gly327Glu)

Gene: ATM (ATM serine/threonine kinase; plus strand). Cytogenetic location: 11q22.3.
Variant type: single nucleotide variant.
Coding change: c.980G>A on transcript NM_000051.4 (MANE Select); coding-DNA position 980, G replaced by A.
Protein change: p.Gly327Glu; replaces glycine 327 with glutamic acid.
Molecular consequence: missense variant.
Genome position (GRCh38, 1-based): chr11:108,247,042, G>A. VCF-style: chr11-108247042-G-A. GRCh37 (hg19) VCF-style: chr11-108117769-G-A.
Other names: c.980G>A, p.Gly327Glu (NM_001351834.2); short protein forms G327E.
Identifiers: ClinVar variation 644776 (VCV000644776.11), dbSNP rs1591510902, ClinGen allele CA382531144.